The following is an entry in ClinVar:

NM_203446.3(SYNJ1):c.3370C>G (p.Gln1124Glu)

Gene: SYNJ1 (synaptojanin 1; minus strand). Cytogenetic location: 21q22.11.
Variant type: single nucleotide variant.
Coding change: c.3370C>G on transcript NM_203446.3 (MANE Select); coding-DNA position 3370, C replaced by G.
Protein change: p.Gln1124Glu; replaces glutamine 1124 with glutamic acid.
Molecular consequence: missense variant.
Genome position (GRCh38, 1-based): chr21:32,645,667, G>C on the plus strand (C>G on the coding strand, the complement: SYNJ1 is on the minus strand). VCF-style: chr21-32645667-G-C. GRCh37 (hg19) VCF-style: chr21-34017977-G-C.
Other names: c.3370C>G, p.Gln1124Glu (NM_001160302.2); c.3355C>G, p.Gln1119Glu (NM_001160306.2); c.3487C>G, p.Gln1163Glu (NM_003895.4); short protein forms Q1163E, Q1119E, Q1124E.
Identifiers: ClinVar variation 1411503 (VCV001411503.8), dbSNP rs768503724, ClinGen allele CA10003438.

ClinVar aggregate classification (germline): Uncertain significance. Review status: criteria provided, multiple submitters, no conflicts (2 of 4 stars). 3 submissions from 3 submitters: Uncertain significance (3). Last evaluated 2025-09-20.

Conditions:
Developmental and epileptic encephalopathy, 1 (DEE1). Also called: X-linked infantile spasms; West's syndrome; Tonic spasms with clustering, arrest of psychomotor development and hypsarrhythmia on EEG; X-Linked Infantile Spasm Syndrome; OHTAHARA SYNDROME, X-LINKED; Epileptic encephalopathy, early infantile, 1. Identifiers: MedGen C3463992, MONDO:0010632, OMIM 308350. Disease mechanism: loss of function.
Early-onset Parkinson disease 20. Also called: PARKINSON DISEASE 20, AUTOSOMAL RECESSIVE EARLY-ONSET. Identifiers: Orphanet 391411, MedGen C3809824, MONDO:0014233, OMIM 615530.
Developmental and epileptic encephalopathy, 53. Also called: Epileptic encephalopathy, early infantile, 53. Identifiers: MedGen C4479313, MONDO:0033362, OMIM 617389.

Allele frequency attached by ClinVar (database versions not stated): gnomAD 0.00007 and 0.00005; ExAC 0.00018; TOPMed 0.00002; gnomAD exomes 0.00004.
gnomAD v4.1: 68 of 1,528,346 alleles (0.0044%); highest among the groups gnomAD compares: Non-Finnish European, 0.0055%; 1 homozygote.

Submissions (3):

Labcorp Genetics (formerly Invitae), Labcorp
Classification: Uncertain significance for Developmental and epileptic encephalopathy, 53; Early-onset Parkinson disease 20. Last evaluated: 2025-09-20. Review status: criteria provided, single submitter. Criteria: Invitae Variant Classification Sherloc (09022015). Collection method: clinical testing. Allele origin: germline.
Comment: This sequence change replaces glutamine, which is neutral and polar, with glutamic acid, which is acidic and polar, at codon 1163 of the SYNJ1 protein (p.Gln1163Glu). This variant is present in population databases (rs768503724, gnomAD 0.02%), including at least one homozygous and/or hemizygous individual. This variant has not been reported in the literature in individuals affected with SYNJ1-related conditions. ClinVar contains an entry for this variant (Variation ID: 1411503). Invitae Evidence Modeling of protein sequence and biophysical properties (such as structural, functional, and spatial information, amino acid conservation, physicochemical variation, residue mobility, and thermodynamic stability) indicates that this missense variant is not expected to disrupt SYNJ1 protein function with a negative predictive value of 80%. In summary, the available evidence is currently insufficient to determine the role of this variant in disease. Therefore, it has been classified as a Variant of Uncertain Significance.

GeneDx
Classification: Uncertain significance. Last evaluated: 2024-11-20. Review status: criteria provided, single submitter. Criteria: GeneDx Variant Classification Process June 2021. Collection method: clinical testing. Allele origin: germline. Affected: yes.
Comment: Not observed at significant frequency in large population cohorts (gnomAD); In silico analysis indicates that this missense variant does not alter protein structure/function; Reported previously in the heterozygous state in a patient with early-onset Parkinsonism who also harbored a homozygous variant in the LRRK2 gene (PMID: 31737044); This variant is associated with the following publications: (PMID: 31737044)

Blueprint Genetics
Classification: Uncertain significance. Last evaluated: 2024-07-22. Review status: criteria provided, single submitter. Criteria: ACMG Guidelines, 2015. Collection method: clinical testing. Allele origin: germline.